The following is an entry in ClinVar:

ClinVar aggregate classification (germline): Uncertain significance (1 of 4 stars; one submission).

gnomAD v4.1: 7 of 1,612,608 alleles (0.00043%); highest among the groups gnomAD compares: African/African-American, 0.0027%; no homozygotes.

Submission:

Labcorp Genetics (formerly Invitae), Labcorp
Classification: Uncertain significance. Last evaluated: 2025-07-08. Review status: criteria provided, single submitter. Criteria: Invitae Variant Classification Sherloc (09022015). Collection method: clinical testing. Allele origin: germline.
Comment: This sequence change replaces alanine, which is neutral and non-polar, with valine, which is neutral and non-polar, at codon 777 of the MICAL1 protein (p.Ala777Val). This variant is present in population databases (no rsID available, gnomAD 0.005%). This variant has not been reported in the literature in individuals affected with MICAL1-related conditions. ClinVar contains an entry for this variant (Variation ID: 1983918). An algorithm developed to predict the effect of missense changes on protein structure and function (PolyPhen-2) suggests that this variant is likely to be tolerated. In summary, the available evidence is currently insufficient to determine the role of this variant in disease. Therefore, it has been classified as a Variant of Uncertain Significance.

NM_022765.4(MICAL1):c.2273C>T (p.Ala758Val)

Gene: MICAL1 (microtubule associated monooxygenase, calponin and LIM domain containing 1; minus strand). Cytogenetic location: 6q21.
Variant type: single nucleotide variant.
Coding change: c.2273C>T on transcript NM_022765.4 (MANE Select); coding-DNA position 2273, C replaced by T.
Protein change: p.Ala758Val; replaces alanine 758 with valine.
Molecular consequence: missense variant.
Genome position (GRCh38, 1-based): chr6:109,446,727, G>A on the plus strand (C>T on the coding strand, the complement: MICAL1 is on the minus strand). VCF-style: chr6-109446727-G-A. GRCh37 (hg19) VCF-style: chr6-109767930-G-A.
Other names: c.2015C>T, p.Ala672Val (NM_001159291.2); c.2330C>T, p.Ala777Val (NM_001286613.2); short protein forms A777V, A672V, A758V.
Identifiers: ClinVar variation 1983918 (VCV001983918.4), dbSNP rs9320288, ClinGen allele CA365224748.
Genomic context (GRCh38, chr6:109,446,727, plus strand): 5'-CAATATACATACACGCCTTCAGTCTTTACCGGACTCTCAGGGCCTCTATCGCTGCCTTCC[G>A]CTTTGTGGTCTGTCTGGGGCAGGTGCTGGAGGCAGTAGAAATGTCCTGGAAAGGGTAGAG-3'
Protein context (NP_073602.3, residues 748-768): LQHLPQTDHK[Ala758Val]EGSDRGPESP